The following is an entry in ClinVar:

NM_015072.5(TTLL5):c.1112CTT[1] (p.Ser372del)

Gene: TTLL5 (tubulin tyrosine ligase like 5; plus strand). Cytogenetic location: 14q24.3.
Variant type: Microsatellite.
Coding change: c.1112CTT[1] on transcript NM_015072.5 (MANE Select); one copy of the 3-base unit CTT starting at c.1112; the reference has two copies in a row; one copy, 3 bases deleted.
Protein change: p.Ser372del; deletes serine 372.
Molecular consequence: inframe deletion.
Genome position (GRCh38, 1-based): chr14:75,732,410-75,732,412, CTT deleted; deleting any 3 consecutive bases within chr14:75,732,407-75,732,412 gives the same sequence; the position shown is the placement nearest the transcript's 3' end. VCF-style (leftmost placement, unchanged base first): chr14-75732406-CCTT-C. GRCh37 (hg19) VCF-style: chr14-76198749-CCTT-C.
Other names: short protein forms S372del.
Identifiers: ClinVar variation 2955301 (VCV002955301.3), dbSNP rs758705323, ClinGen allele CA7279235.

ClinVar aggregate classification (germline): Uncertain significance (1 of 4 stars; one submission).

Submission:

Labcorp Genetics (formerly Invitae), Labcorp
Classification: Uncertain significance. Last evaluated: 2023-03-08. Review status: criteria provided, single submitter. Criteria: Invitae Variant Classification Sherloc (09022015). Collection method: clinical testing. Allele origin: germline.
Comment: This variant, c.1115_1117del, results in the deletion of 1 amino acid(s) of the TTLL5 protein (p.Ser372del), but otherwise preserves the integrity of the reading frame. This variant is present in population databases (rs758705323, gnomAD 0.002%). This variant has not been reported in the literature in individuals affected with TTLL5-related conditions. Experimental studies and prediction algorithms are not available or were not evaluated, and the functional significance of this variant is currently unknown. In summary, the available evidence is currently insufficient to determine the role of this variant in disease. Therefore, it has been classified as a Variant of Uncertain Significance.